The following is an entry in ClinVar:

ClinVar aggregate classification (germline): Pathogenic (1 of 4 stars; one submission).

gnomAD v4.1: 1 of 1,611,378 alleles (0.000062%); no homozygotes.

Submission:

Labcorp Genetics (formerly Invitae), Labcorp
Classification: Pathogenic. Last evaluated: 2024-06-30. Review status: criteria provided, single submitter. Criteria: Invitae Variant Classification Sherloc (09022015). Collection method: clinical testing. Allele origin: germline.
Comment: This sequence change creates a premature translational stop signal (p.Glu185*) in the PRPF31 gene. It is expected to result in an absent or disrupted protein product. Loss-of-function variants in PRPF31 are known to be pathogenic (PMID: 18317597, 23950152). This variant is not present in population databases (gnomAD no frequency). This premature translational stop signal has been observed in individual(s) with retinitis pigmentosa (PMID: 22334370). For these reasons, this variant has been classified as Pathogenic.

Literature cited by the submitters: PubMed 18317597; PubMed 23950152; PubMed 22334370.

NM_015629.4(PRPF31):c.553G>T (p.Glu185Ter)

Gene: PRPF31 (pre-mRNA processing factor 31; plus strand). Cytogenetic location: 19q13.42.
Variant type: single nucleotide variant.
Coding change: c.553G>T on transcript NM_015629.4 (MANE Select); coding-DNA position 553, G replaced by T.
Protein change: p.Glu185Ter; replaces glutamic acid 185 with a stop codon.
Molecular consequence: nonsense.
Genome position (GRCh38, 1-based): chr19:54,123,774, G>T. VCF-style: chr19-54123774-G-T. GRCh37 (hg19) VCF-style: chr19-54627153-G-T.
Other names: short protein forms E185*.
Identifiers: ClinVar variation 3723673 (VCV003723673.2).
Genomic context (GRCh38, chr19:54,123,774, plus strand): 5'-GAGACCCAGGAGGCTGGGCCCACCCGCCCCTGCAGGCAGCAGCTGTCGGAGGAGGAGCTG[G>T]AGCGGCTGGAGGAGGCCTGCGACATGGCGCTGGAGCTGAACGCCTCCAAGCACCGCATCT-3'